The following is an entry in ClinVar:

NM_002863.5(PYGL):c.1022C>T (p.Thr341Ile)

Gene: PYGL (glycogen phosphorylase L; minus strand). Cytogenetic location: 14q22.1.
Variant type: single nucleotide variant.
Coding change: c.1022C>T on transcript NM_002863.5 (MANE Select); coding-DNA position 1022, C replaced by T.
Protein change: p.Thr341Ile; replaces threonine 341 with isoleucine.
Molecular consequence: missense variant.
Genome position (GRCh38, 1-based): chr14:50,916,712, G>A on the plus strand (C>T on the coding strand, the complement: PYGL is on the minus strand). VCF-style: chr14-50916712-G-A. GRCh37 (hg19) VCF-style: chr14-51383430-G-A.
Other names: p.Thr341Ile; c.920C>T, p.Thr307Ile (NM_001163940.2); short protein forms T307I, T341I.
Identifiers: ClinVar variation 3380194 (VCV003380194.1).

ClinVar aggregate classification (germline): Uncertain significance (1 of 4 stars; one submission).

gnomAD v4.1: 2 of 1,614,136 alleles (0.00012%); highest among the groups gnomAD compares: Non-Finnish European, 0.00017%; no homozygotes.

Submission:

Mayo Clinic Laboratories, Mayo Clinic
Classification: Uncertain significance. Last evaluated: 2023-08-24. Review status: criteria provided, single submitter. Criteria: ACMG Guidelines, 2015. Collection method: clinical testing. Allele origin: germline. Observed: 1 variant allele.
Comment: PP3, PM2_moderate